The following is an entry in ClinVar:

NC_012920.1(MT-ND4L):m.10522G>A

Gene: MT-ND4L (mitochondrially encoded NADH dehydrogenase 4L; plus strand).
Variant type: single nucleotide variant.
Genome position: chrM-10522-G-A.
Identifiers: ClinVar variation 693295 (VCV000693295.1), dbSNP rs1603222873, ClinGen allele CA414805679.
Genomic context (GRCh38, chrMT:10,522, plus strand): 5'-TTTACCAAATGCCCCTCATTTACATAAATATTATACTAGCATTTACCATCTCACTTCTAG[G>A]AATACTAGTATATCGCTCACACCTCATATCCTCCCTACTATGCCTAGAAGGAATAATACT-3'

ClinVar aggregate classification (germline): Uncertain significance (1 of 4 stars; one submission).

Conditions:
Leigh syndrome (NULS). Also called: Leigh's necrotizing encephalopathy; Leigh's disease; Leigh Syndrome (mtDNA deletion); Leigh Disease; Subacute necrotizing encephalopathy; Necrotizing encephalopathy infantile subacute of Leigh. Identifiers: Orphanet 506, MedGen C2931891, MONDO:0009723, OMIM 256000.

Submission:

Wong Mito Lab, Molecular and Human Genetics, Baylor College of Medicine
Classification: Uncertain significance for Leigh syndrome. Last evaluated: 2019-10-17. Review status: criteria provided, single submitter. Criteria: Modified ACMG Guidelines (Unpublished). Collection method: clinical testing. Allele origin: germline.
Comment: The NC_012920.1:m.10522G>A (YP_003024034.1:p.Gly18Glu) variant in MTND4L gene is interpretated to be a Uncertain Significance variant based on the modified ACMG guidelines (unpublished). This variant meets the following evidence codes: PP7